The following is an entry in ClinVar:

ClinVar aggregate classification (germline): Uncertain significance. Review status: criteria provided, single submitter (1 of 4 stars). 2 submissions from 2 submitters: Uncertain significance (1). 1 of the submissions does not count toward it. Last evaluated 2017-06-14.

Conditions:
Galactosylceramide beta-galactosidase deficiency. Also called: GALACTOCEREBROSIDASE DEFICIENCY; GALC DEFICIENCY; GLOBOID CELL LEUKOENCEPHALOPATHY; Leukodystrophy, Globoid Cell; Krabbe Disease. Identifiers: Orphanet 487, MedGen C0023521, MONDO:0009499, OMIM 245200.

Allele frequency attached by ClinVar (database versions not stated): gnomAD exomes below 0.00001.
gnomAD v4.1: 1 of 1,612,492 alleles (0.000062%); highest among the groups gnomAD compares: South Asian, 0.0011%; no homozygotes.

Submissions (2):

GeneDx
Classification: Uncertain significance. Last evaluated: 2017-06-14. Review status: criteria provided, single submitter. Criteria: GeneDx Variant Classification (06012015). Collection method: clinical testing. Allele origin: germline. Affected: yes.
Comment: The c.328+3 A>G variant has not been published as a pathogenic variant, nor has it been reported as a benign variant to our knowledge. The c.328+3 A>G variant is not observed in large population cohorts (Lek et al., 2016; 1000 Genomes Consortium et al., 2015; Exome Variant Server). This nucleotide substitution occurs at a position that is conserved in mammals/not conserved. Several in-silico splice prediction models predict that c.328+3 A>G creates a cryptic donor site which may supplant the natural donor site and lead to abnormal gene splicing. However, in the absence of RNA/functional studies, the actual effect of this sequence change in this individual is unknown. In summary, based on the currently available information, it is unclear whether this variant is a pathogenic variant or a rare benign variant.

Myelin Disorders Clinic-Children's Medical Center/Medical Genetics Lab-Tarbiat Modares University, Children's Medical Center, Pediatrics Center of Excellence,
Classification: Uncertain significance for Galactosylceramide beta-galactosidase deficiency. Review status: no assertion criteria provided. Collection method: clinical testing. Allele origin: inherited. Inheritance: Autosomal recessive inheritance. Affected: yes. Not counted in ClinVar's aggregate classification.

NM_000153.4(GALC):c.328+3A>G

Gene: GALC (galactosylceramidase; minus strand). Cytogenetic location: 14q31.3.
Variant type: single nucleotide variant.
Coding change: c.328+3A>G on transcript NM_000153.4 (MANE Select); 3 bases into the intron after coding-DNA position 328, A replaced by G.
Molecular consequence: intron variant.
Genome position (GRCh38, 1-based): chr14:87,988,141, T>C on the plus strand (A>G on the coding strand, the complement: GALC is on the minus strand). VCF-style: chr14-87988141-T-C. GRCh37 (hg19) VCF-style: chr14-88454485-T-C.
Other names: c.250+3A>G (NM_001201402.2); c.259+3A>G (NM_001201401.2).
Identifiers: ClinVar variation 432945 (VCV000432945.4), dbSNP rs377682096, ClinGen allele CA264711916.
Genomic context (GRCh38, chr14:87,988,141, plus strand): 5'-CCATATGCTGAGGTATAGATTAAAATGTTGATGGGAGAAATCCTATCTCCCAAATTCTCC[T>C]ACCTGTTGTCTGCCCATCACCACCTATTTCCACTTTTAAAATATGCAAAGAGGCACCAAA-3'